The following is an entry in ClinVar:

ClinVar aggregate classification (germline): Uncertain significance (1 of 4 stars; one submission).

Conditions:
RYR1-related disorder. Also called: RYR1-related condition; RYR1-related disorders. Identifiers: MedGen CN239331.

Submission:

Labcorp Genetics (formerly Invitae), Labcorp
Classification: Uncertain significance for RYR1-related disorder. Last evaluated: 2024-12-08. Review status: criteria provided, single submitter. Criteria: Invitae Variant Classification Sherloc (09022015). Collection method: clinical testing. Allele origin: germline.
Comment: This variant, c.11117_11122dup, results in the insertion of 2 amino acid(s) of the RYR1 protein (p.Ser3706_Arg3707dup), but otherwise preserves the integrity of the reading frame. This variant is not present in population databases (gnomAD no frequency). This variant has not been reported in the literature in individuals affected with RYR1-related conditions. ClinVar contains an entry for this variant (Variation ID: 2091741). Experimental studies and prediction algorithms are not available or were not evaluated, and the functional significance of this variant is currently unknown. In summary, the available evidence is currently insufficient to determine the role of this variant in disease. Therefore, it has been classified as a Variant of Uncertain Significance.

NM_000540.3(RYR1):c.11117_11122dup (p.Arg3707_Thr3708insSerArg)

Gene: RYR1 (ryanodine receptor 1; plus strand). Cytogenetic location: 19q13.2.
Variant type: Duplication.
Coding change: c.11117_11122dup on transcript NM_000540.3 (MANE Select); coding-DNA positions 11117 to 11122, 6 bases duplicated (GCCGCA; older notation c.11117_11122dupGCCGCA).
Protein change: p.Arg3707_Thr3708insSerArg.
Molecular consequence: inframe insertion.
Genome position (GRCh38, 1-based): chr19:38,529,033-38,529,038, GCCGCA duplicated; duplicating any 6 consecutive bases within chr19:38,529,031-38,529,038 gives the same sequence; the c. name uses the placement nearest the transcript's 3' end. VCF-style (leftmost placement, unchanged base first): chr19-38529030-T-TCAGCCG. GRCh37 (hg19) VCF-style: chr19-39019670-T-TCAGCCG.
Other names: c.11102_11107dup, p.Arg3702_Thr3703insSerArg (NM_001042723.2).
Identifiers: ClinVar variation 2091741 (VCV002091741.4), dbSNP rs2514500369, ClinGen allele CA2580097204.